The following is an entry in ClinVar:

NM_006231.4(POLE):c.2161_2165del (p.Arg721fs)

Gene: POLE (DNA polymerase epsilon, catalytic subunit; minus strand). Cytogenetic location: 12q24.33.
Variant type: Microsatellite.
Coding change: c.2161_2165del on transcript NM_006231.4 (MANE Select); coding-DNA positions 2161 to 2165, 5 bases deleted (AGAAG; older notation c.2161_2165delAGAAG).
Protein change: p.Arg721fs; shifts the reading frame from arginine 721.
Molecular consequence: frameshift variant.
Genome position (GRCh38, 1-based): chr12:132,668,364-132,668,368, CTTCT deleted on the plus strand (AGAAG on the coding strand, the reverse complement: POLE is on the minus strand); deleting any 5 consecutive bases within chr12:132,668,364-132,668,374 gives the same sequence; the c. name uses the placement nearest the transcript's 3' end. VCF-style (leftmost placement, unchanged base first): chr12-132668363-CCTTCT-C. GRCh37 (hg19) VCF-style: chr12-133244949-CCTTCT-C.
Other names: short protein forms R721fs.
Identifiers: ClinVar variation 2910061 (VCV002910061.3), dbSNP rs2542096421, ClinGen allele CA2739277392.

ClinVar aggregate classification (germline): Pathogenic (1 of 4 stars; one submission).

Submission:

Labcorp Genetics (formerly Invitae), Labcorp
Classification: Pathogenic. Last evaluated: 2025-10-01. Review status: criteria provided, single submitter. Criteria: Invitae Variant Classification Sherloc (09022015). Collection method: clinical testing. Allele origin: germline.
Comment: This sequence change creates a premature translational stop signal (p.Arg721Alafs*68) in the POLE gene. It is expected to result in an absent or disrupted protein product. Loss-of-function variants in POLE are known to be pathogenic (PMID: 23230001, 25948378, 30503519). This variant is not present in population databases (gnomAD no frequency). This variant has not been reported in the literature in individuals affected with POLE-related conditions. For these reasons, this variant has been classified as Pathogenic.

Literature cited by the submitters: PubMed 23230001; PubMed 25948378; PubMed 30503519.